The following is an entry in ClinVar:

ClinVar aggregate classification (germline): Likely benign. Review status: criteria provided, multiple submitters, no conflicts (2 of 4 stars). 3 submissions from 3 submitters: Likely benign (2). 1 of the submissions does not count toward it. Last evaluated 2025-12-29.

Conditions:
AUTS2-related disorder. Also called: AUTS2-related condition.

Allele frequency attached by ClinVar (database versions not stated): gnomAD 0.00002; ExAC 0.00003; TOPMed 0.00003; gnomAD exomes 0.00005.
gnomAD v4.1: 84 of 1,613,206 alleles (0.0052%); highest among the groups gnomAD compares: Admixed American, 0.017%; no homozygotes.

Submissions (3):

Labcorp Genetics (formerly Invitae), Labcorp
Classification: Likely benign. Last evaluated: 2025-12-29. Review status: criteria provided, single submitter. Criteria: Invitae Variant Classification Sherloc (09022015). Collection method: clinical testing. Allele origin: germline.

GeneDx
Classification: Likely benign. Last evaluated: 2021-02-16. Review status: criteria provided, single submitter. Criteria: GeneDx Variant Classification Process June 2021. Collection method: clinical testing. Allele origin: germline. Affected: yes.

PreventionGenetics, part of Exact Sciences
Classification: Likely benign for AUTS2-related condition. Last evaluated: 2019-12-18. Review status: no assertion criteria provided. Collection method: clinical testing. Allele origin: germline. Not counted in ClinVar's aggregate classification.
Comment: This variant is classified as likely benign based on ACMG/AMP sequence variant interpretation guidelines (Richards et al. 2015 PMID: 25741868, with internal and published modifications).

NM_015570.4(AUTS2):c.210C>T (p.Pro70=)

Gene: AUTS2 (activator of transcription and developmental regulator AUTS2; plus strand). Cytogenetic location: 7q11.22.
Variant type: single nucleotide variant.
Coding change: c.210C>T on transcript NM_015570.4 (MANE Select); coding-DNA position 210, C replaced by T.
Protein change: p.Pro70=; no amino-acid change (proline 70 retained).
Molecular consequence: synonymous variant.
Genome position (GRCh38, 1-based): chr7:69,599,863, C>T. VCF-style: chr7-69599863-C-T. GRCh37 (hg19) VCF-style: chr7-69064849-C-T.
Other names: c.210C>T, p.Pro70= (NM_001127231.3, NM_001127232.3); c.210C>T (NM_015570.3).
Identifiers: ClinVar variation 1254367 (VCV001254367.9), dbSNP rs753526278, ClinGen allele CA4280253.